The following is an entry in ClinVar:

ClinVar aggregate classification (germline): Uncertain significance. Review status: criteria provided, multiple submitters, no conflicts (2 of 4 stars). 2 submissions from 2 submitters: Uncertain significance (2). Last evaluated 2025-01-10.

Conditions:
DICER1-related tumor predisposition. Also called: DICER1 syndrome; DICER1-related pleuropulmonary blastoma cancer predisposition syndrome. Identifiers: Orphanet 284343, MedGen C3839822, MONDO:0100216.
Hereditary cancer-predisposing syndrome. Also called: Neoplastic Syndromes, Hereditary; Tumor predisposition; Hereditary Cancer Syndrome; Hereditary neoplastic syndrome. Identifiers: Orphanet 140162, MedGen C0027672, MeSH D009386, MONDO:0015356.

Submissions (2):

Labcorp Genetics (formerly Invitae), Labcorp
Classification: Uncertain significance for DICER1-related tumor predisposition. Last evaluated: 2025-01-10. Review status: criteria provided, single submitter. Criteria: Invitae Variant Classification Sherloc (09022015). Collection method: clinical testing. Allele origin: germline.
Comment: This sequence change replaces alanine, which is neutral and non-polar, with threonine, which is neutral and polar, at codon 1623 of the DICER1 protein (p.Ala1623Thr). This variant is not present in population databases (gnomAD no frequency). This variant has not been reported in the literature in individuals affected with DICER1-related conditions. ClinVar contains an entry for this variant (Variation ID: 1743670). Invitae Evidence Modeling of protein sequence and biophysical properties (such as structural, functional, and spatial information, amino acid conservation, physicochemical variation, residue mobility, and thermodynamic stability) indicates that this missense variant is not expected to disrupt DICER1 protein function with a negative predictive value of 95%. In summary, the available evidence is currently insufficient to determine the role of this variant in disease. Therefore, it has been classified as a Variant of Uncertain Significance.

Ambry Genetics
Classification: Uncertain significance for Hereditary cancer-predisposing syndrome. Last evaluated: 2021-05-26. Review status: criteria provided, single submitter. Criteria: Ambry Variant Classification Scheme 2023. Collection method: clinical testing. Allele origin: germline.
Comment: The p.A1623T variant (also known as c.4867G>A), located in coding exon 22 of the DICER1 gene, results from a G to A substitution at nucleotide position 4867. The alanine at codon 1623 is replaced by threonine, an amino acid with similar properties. This amino acid position is not well conserved in available vertebrate species. In addition, this alteration is predicted to be tolerated by in silico analysis. Since supporting evidence is limited at this time, the clinical significance of this alteration remains unclear.

NM_177438.3(DICER1):c.4867G>A (p.Ala1623Thr)

Gene: DICER1 (dicer 1, ribonuclease III; minus strand). Cytogenetic location: 14q32.13.
Variant type: single nucleotide variant.
Coding change: c.4867G>A on transcript NM_177438.3 (MANE Select); coding-DNA position 4867, G replaced by A.
Protein change: p.Ala1623Thr; replaces alanine 1623 with threonine.
Molecular consequence: missense variant. On other transcripts: non-coding transcript variant (6).
Genome position (GRCh38, 1-based): chr14:95,096,053, C>T on the plus strand (G>A on the coding strand, the complement: DICER1 is on the minus strand). VCF-style: chr14-95096053-C-T. GRCh37 (hg19) VCF-style: chr14-95562390-C-T.
Other names: c.4867G>A, p.Ala1623Thr (NM_001395694.1, NM_001395695.1, NM_030621.4 and 13 more transcripts); c.4462G>A, p.Ala1488Thr (NM_001395696.1, NM_001395687.1, NM_001395688.1 and 2 more transcripts); c.3184G>A, p.Ala1062Thr (NM_001395697.1); c.4585G>A, p.Ala1529Thr (NM_001395686.1); c.4300G>A, p.Ala1434Thr (NM_001395691.1); short protein forms A1488T, A1062T, A1529T, A1623T, A1434T.
Identifiers: ClinVar variation 1743670 (VCV001743670.4), dbSNP rs2139841630, ClinGen allele CA390866625.